The following is an entry in ClinVar:

ClinVar aggregate classification (germline): Uncertain significance (1 of 4 stars; one submission).

Conditions:
Agammaglobulinemia 7, autosomal recessive (AGM7). Also called: AGAMMAGLOBULINEMIA, AUTOSOMAL RECESSIVE, DUE TO PIK3R1 DEFECT. Identifiers: MedGen C3554689, MONDO:0014083, OMIM 615214.
SHORT syndrome. Also called: SHORT STATURE, HYPEREXTENSIBILITY, HERNIA, OCULAR DEPRESSION, RIEGER ANOMALY, AND TEETHING DELAY; LIPODYSTROPHY, PARTIAL, WITH RIEGER ANOMALY AND SHORT STATURE; PIK3R1-Related SHORT Syndrome. Identifiers: Orphanet 3163, MedGen C0878684, MONDO:0010026, OMIM 269880.
Immunodeficiency 36 with lymphoproliferation. Also called: Immunodeficiency 36; Activated PI3K Delta Syndrome Type 2 (APDS2); ACTIVATED PI3K-DELTA SYNDROME 2. Identifiers: Orphanet 397596, Orphanet 693681, MedGen C4014934, MONDO:0014453, OMIM 616005.

Submission:

Labcorp Genetics (formerly Invitae), Labcorp
Classification: Uncertain significance for SHORT syndrome; Immunodeficiency 36 with lymphoproliferation; Agammaglobulinemia 7, autosomal recessive. Last evaluated: 2025-04-23. Review status: criteria provided, single submitter. Criteria: Invitae Variant Classification Sherloc (09022015). Collection method: clinical testing. Allele origin: germline.
Comment: This sequence change replaces serine, which is neutral and polar, with asparagine, which is neutral and polar, at codon 279 of the PIK3R1 protein (p.Ser279Asn). This variant also falls at the last nucleotide of exon 6, which is part of the consensus splice site for this exon. This variant is not present in population databases (gnomAD no frequency). This variant has not been reported in the literature in individuals affected with PIK3R1-related conditions. An algorithm developed to predict the effect of missense changes on protein structure and function (PolyPhen-2) suggests that this variant is likely to be tolerated. Variants that disrupt the consensus splice site are a relatively common cause of aberrant splicing (PMID: 17576681, 9536098). In summary, the available evidence is currently insufficient to determine the role of this variant in disease. Therefore, it has been classified as a Variant of Uncertain Significance.

Literature cited by the submitters: PubMed 17576681; PubMed 9536098.

NM_181523.3(PIK3R1):c.836G>A (p.Ser279Asn)

Gene: PIK3R1 (phosphoinositide-3-kinase regulatory subunit 1; plus strand). Cytogenetic location: 5q13.1.
Variant type: single nucleotide variant.
Coding change: c.836G>A on transcript NM_181523.3 (MANE Select); coding-DNA position 836, G replaced by A.
Protein change: p.Ser279Asn; replaces serine 279 with asparagine.
Molecular consequence: missense variant.
Genome position (GRCh38, 1-based): chr5:68,280,729, G>A. VCF-style: chr5-68280729-G-A. GRCh37 (hg19) VCF-style: chr5-67576557-G-A.
Other names: short protein forms S279N.
Identifiers: ClinVar variation 4784827 (VCV004784827.1).